The following is an entry in ClinVar:

ClinVar aggregate classification (germline): Uncertain significance (0 of 4 stars; one submission).

Conditions:
FEM1C-related condition.

Submission:

PreventionGenetics, part of Exact Sciences
Classification: Uncertain significance for FEM1C-related condition. Last evaluated: 2024-05-09. Review status: no assertion criteria provided. Collection method: clinical testing. Allele origin: germline.
Comment: The FEM1C c.306G>T variant is predicted to result in the amino acid substitution p.Leu102Phe. To our knowledge, this variant has not been reported in the literature or in a large population database, indicating this variant is rare. At this time, the clinical significance of this variant is uncertain due to the absence of conclusive functional and genetic evidence.

NM_020177.3(FEM1C):c.306G>T (p.Leu102Phe)

Gene: FEM1C (fem-1 homolog C; minus strand). Cytogenetic location: 5q22.3.
Variant type: single nucleotide variant.
Coding change: c.306G>T on transcript NM_020177.3 (MANE Select); coding-DNA position 306, G replaced by T.
Protein change: p.Leu102Phe; replaces leucine 102 with phenylalanine.
Molecular consequence: missense variant.
Genome position (GRCh38, 1-based): chr5:115,543,188, C>A on the plus strand (G>T on the coding strand, the complement: FEM1C is on the minus strand). VCF-style: chr5-115543188-C-A. GRCh37 (hg19) VCF-style: chr5-114878885-C-A.
Other names: short protein forms L102F.
Identifiers: ClinVar variation 3354290 (VCV003354290.1).
Genomic context (GRCh38, chr5:115,543,188, plus strand): 5'-AGCTCGAAGAGGAGTTGAATTGGTTAAAGTCGTGTTGTTGACAGATGCTCCATGATTTAA[C>A]AAGGACTGGACCACCTTCAGATGTCCTGCTGCAGAAGCGGCCCATAAAGGGGGAGCCCCC-3'
Protein context (NP_064562.1, residues 92-112): AAGHLKVVQS[Leu102Phe]LNHGASVNNT